The following is an entry in ClinVar:

ClinVar aggregate classification (germline): Pathogenic/Likely pathogenic. Review status: criteria provided, multiple submitters, no conflicts (2 of 4 stars). 10 submissions from 10 submitters: Pathogenic (3); Likely pathogenic (3). 4 of the submissions do not count toward it. Last evaluated 2025-11-19.

Conditions:
AGXT-related disorder. Also called: AGXT-related condition.
Primary hyperoxaluria. Identifiers: Orphanet 416, MedGen C0020501, MONDO:0002474.
Primary hyperoxaluria, type I (HP1). Also called: GLYCOLIC ACIDURIA; HEPATIC AGT DEFICIENCY; OXALOSIS I; Primary hyperoxaluria type 1. Identifiers: Orphanet 416, Orphanet 93598, MedGen C0268164, MONDO:0009823, OMIM 259900. Disease mechanism: loss of function.

Submissions (10):

Labcorp Genetics (formerly Invitae), Labcorp
Classification: Pathogenic. Last evaluated: 2025-11-19. Review status: criteria provided, single submitter. Criteria: Invitae Variant Classification Sherloc (09022015). Collection method: clinical testing. Allele origin: germline.
Comment: This sequence change replaces glycine, which is neutral and non-polar, with aspartic acid, which is acidic and polar, at codon 350 of the AGXT protein (p.Gly350Asp). This variant is present in population databases (rs180177156, gnomAD 0.03%). This missense change has been observed in individual(s) with hyperoxaluria (PMID: 9604803, 23551880, 30341509, 35149915). In at least one individual the data is consistent with being in trans (on the opposite chromosome) from a pathogenic variant. This variant is also known as G1171A. ClinVar contains an entry for this variant (Variation ID: 188986). Invitae Evidence Modeling of protein sequence and biophysical properties (such as structural, functional, and spatial information, amino acid conservation, physicochemical variation, residue mobility, and thermodynamic stability) indicates that this missense variant is expected to disrupt AGXT protein function with a positive predictive value of 80%. Experimental studies have shown that this missense change affects AGXT function (PMID: 22018727, 22923379, 30341509). For these reasons, this variant has been classified as Pathogenic.

Rare Kidney Stone Consortium and the Mayo Clinic Hyperoxaluria Center, Mayo Clinic
Classification: Pathogenic for Primary hyperoxaluria, type I. Last evaluated: 2025-10-03. Review status: criteria provided, single submitter. Criteria: ACMG Guidelines, 2015. Collection method: research. Allele origin: germline. Affected: yes. Observed: 4 variant alleles.
Comment: ACMG:PM2, PM5, PP2, PP3, PP5

Natera, Inc.
Classification: Likely pathogenic for Primary hyperoxaluria type I. Last evaluated: 2025-02-08. Review status: criteria provided, single submitter. Criteria: Natera Variant Classification Schema (03/2026). Collection method: clinical testing. Allele origin: germline.
Comment: The c.1049G>A variant in AGXT is a missense variant predicted to cause substitution of glycine to aspartic acid at amino acid 350. This variant is rare in the general population with a frequency below the threshold expected for the associated phenotype(s). This variant has been observed in one or more individuals affected with the associated recessive disease, as either homozygous or compound heterozygous with a second variant (PMID: 39746862, 5629080, 34995728). Additionally, this variant has been observed to segregate in affected family members (PMID: 39746862). Computational prediction algorithms indicate this variant is likely to affect gene or protein function. Given the available evidence, this variant is classified as Likely Pathogenic.

Blueprint Genetics
Classification: Pathogenic for AGXT-related disorders. Last evaluated: 2024-09-11. Review status: criteria provided, single submitter. Criteria: ACMG Guidelines, 2015. Collection method: clinical testing. Allele origin: germline. Affected: yes. Observed: 2 variant alleles.

Fulgent Genetics
Classification: Likely pathogenic for Primary hyperoxaluria, type I. Last evaluated: 2021-10-05. Review status: criteria provided, single submitter. Criteria: ACMG Guidelines, 2015. Collection method: clinical testing. Allele origin: unknown.

Neuberg Centre For Genomic Medicine, NCGM
Classification: Likely pathogenic for Primary hyperoxaluria, type I. Review status: criteria provided, single submitter. Criteria: ACMG Guidelines, 2015. Collection method: clinical testing. Allele origin: germline. Affected: yes.
Comment: The missense variant p.G350D in AGXT (NM_000030.3) has been reported previously in multiple affected indviduals (Du DF et al; Rao NM et al). The variant was submitted to ClinVar as Likely Pathogenic. The p.G350D variant is observed in 11/30,610 (0.0359%) alleles from individuals of South Asian background in gnomAD Exomes and is novel (not in any individuals) in 1000 Genomes. There is a moderate physicochemical difference between glycine and aspartic acid. The p.G350D missense variant is predicted to be damaging by both SIFT and PolyPhen2. The glycine residue at codon 350 of AGXT is conserved in all mammalian species. The nucleotide c.1049 in AGXT is predicted conserved by GERP++ and PhyloP across 100 vertebrates. For these reasons, this variant has been classified as Likely Pathogenic.

Chinese Inherited Urolithiasis Consortium, The Affiliated Yantai Yuhuangding Hospital of Qingdao University
Classification: Likely pathogenic for Primary hyperoxaluria, type I. Last evaluated: 2024-08-26. Review status: no assertion criteria provided. Collection method: clinical testing. Allele origin: paternal. Affected: yes. Observed: 1 variant allele. Not counted in ClinVar's aggregate classification.

Sydney Genome Diagnostics, Children's Hospital Westmead
Classification: Pathogenic for Primary hyperoxaluria. Last evaluated: 2018-10-24. Review status: no assertion criteria provided. Collection method: clinical testing. Allele origin: unknown. Affected: yes. Observed: 1 variant allele, 1 homozygote. Not counted in ClinVar's aggregate classification.
Comment: This variant (dbSNP: rs180177156) has been previously reported in the homozygote form in a patient with primary hyperoxaluria type I (Rao et al 2014 J Neuroimaging 24:411-3).

Clinical Biochemistry Laboratory, Health Services Laboratory
Classification: Pathogenic for Primary hyperoxaluria, type I. Last evaluated: 2014-11-27. Review status: no assertion criteria provided. Collection method: in vitro. Allele origin: germline. Affected: yes. Not counted in ClinVar's aggregate classification.

Counsyl
Classification: Likely pathogenic for Primary hyperoxaluria, type I. Last evaluated: 2014-09-25. Review status: no assertion criteria provided. Collection method: literature only. Allele origin: unknown. Inheritance: Autosomal recessive inheritance. Not counted in ClinVar's aggregate classification.

Literature cited by the submitters: PubMed 9604803 (cited by 4 submitters); PubMed 23551880 (cited by Labcorp Genetics (formerly Invitae), Labcorp and Counsyl); PubMed 30341509 (cited by Labcorp Genetics (formerly Invitae), Labcorp and Rare Kidney Stone Consortium and the Mayo Clinic Hyperoxaluria Center, Mayo Clinic); PubMed 35149915 (cited by Labcorp Genetics (formerly Invitae), Labcorp and Rare Kidney Stone Consortium and the Mayo Clinic Hyperoxaluria Center, Mayo Clinic); PubMed 22018727 (cited by 3 submitters); PubMed 22923379 (cited by 3 submitters); PubMed 33495102 (cited by Rare Kidney Stone Consortium and the Mayo Clinic Hyperoxaluria Center, Mayo Clinic); PubMed 39746862 (cited by Rare Kidney Stone Consortium and the Mayo Clinic Hyperoxaluria Center, Mayo Clinic and Natera, Inc.); PubMed 40794449 (cited by Rare Kidney Stone Consortium and the Mayo Clinic Hyperoxaluria Center, Mayo Clinic); PubMed 5629080 (cited by Natera, Inc.); PubMed 34995728 (cited by Natera, Inc.); PubMed 15961945 (cited by Counsyl); PubMed 18282470 (cited by Counsyl).

NM_000030.3(AGXT):c.1049G>A (p.Gly350Asp)

Gene: AGXT (alanine--glyoxylate aminotransferase; plus strand). Cytogenetic location: 2q37.3.
Variant type: single nucleotide variant.
Coding change: c.1049G>A on transcript NM_000030.3 (MANE Select); coding-DNA position 1049, G replaced by A.
Protein change: p.Gly350Asp; replaces glycine 350 with aspartic acid.
Molecular consequence: missense variant.
Genome position (GRCh38, 1-based): chr2:240,878,128, G>A. VCF-style: chr2-240878128-G-A. GRCh37 (hg19) VCF-style: chr2-241817545-G-A.
Other names: short protein forms G350D.
Identifiers: ClinVar variation 188986 (VCV000188986.24), dbSNP rs180177156, ClinGen allele CA274217.